The following is an entry in ClinVar:

ClinVar aggregate classification (germline): Uncertain significance (1 of 4 stars; one submission).

Submission:

Labcorp Genetics (formerly Invitae), Labcorp
Classification: Uncertain significance. Last evaluated: 2023-11-20. Review status: criteria provided, single submitter. Criteria: Invitae Variant Classification Sherloc (09022015). Collection method: clinical testing. Allele origin: germline.
Comment: This sequence change replaces glutamine, which is neutral and polar, with histidine, which is basic and polar, at codon 609 of the ACTN1 protein (p.Gln609His). This variant is not present in population databases (gnomAD no frequency). This variant has not been reported in the literature in individuals affected with ACTN1-related conditions. Advanced modeling of protein sequence and biophysical properties (such as structural, functional, and spatial information, amino acid conservation, physicochemical variation, residue mobility, and thermodynamic stability) performed at Invitae indicates that this missense variant is not expected to disrupt ACTN1 protein function with a negative predictive value of 80%. In summary, the available evidence is currently insufficient to determine the role of this variant in disease. Therefore, it has been classified as a Variant of Uncertain Significance.

NM_001130004.2(ACTN1):c.1827G>T (p.Gln609His)

Gene: ACTN1 (actinin alpha 1; minus strand). Cytogenetic location: 14q24.1.
Variant type: single nucleotide variant.
Coding change: c.1827G>T on transcript NM_001130004.2 (MANE Select); coding-DNA position 1827, G replaced by T.
Protein change: p.Gln609His; replaces glutamine 609 with histidine.
Molecular consequence: missense variant.
Genome position (GRCh38, 1-based): chr14:68,882,584, C>A on the plus strand (G>T on the coding strand, the complement: ACTN1 is on the minus strand). VCF-style: chr14-68882584-C-A. GRCh37 (hg19) VCF-style: chr14-69349301-C-A.
Other names: c.1827G>T, p.Gln609His (NM_001102.4, NM_001130005.2, NM_001424012.1 and 2 more transcripts); c.1851G>T, p.Gln617His (NM_001411035.1, NM_001424016.1); c.1632G>T, p.Gln544His (NM_001411036.1, NM_001424026.1, NM_001424028.1); c.1953G>T, p.Gln651His (NM_001424013.1); c.1914G>T, p.Gln638His (NM_001424015.1); c.1824G>T, p.Gln608His (NM_001424017.1); c.1788G>T, p.Gln596His (NM_001424018.1); c.1644G>T, p.Gln548His (NM_001424029.1, NM_001424019.1, NM_001424024.1 and 2 more transcripts); and 3 more; short protein forms Q548H, Q588H, Q596H, Q638H, Q651H, Q334H, Q544H, Q586H.
Identifiers: ClinVar variation 2697787 (VCV002697787.3), dbSNP rs2503216547, ClinGen allele CA390183029.